The following is an entry in ClinVar:

ClinVar aggregate classification (germline): Likely benign. Review status: criteria provided, single submitter (1 of 4 stars). 2 submissions from 2 submitters: Likely benign (1). 1 of the submissions does not count toward it. Last evaluated 2025-10-01.

Conditions:
IGSF10-related disorder. Also called: IGSF10-related condition.

Allele frequency attached by ClinVar (database versions not stated): ESP Exome Variant Server 0.00008; gnomAD exomes 0.00009; ExAC 0.00012; 1000 Genomes Project 30x 0.00016; 1000 Genomes Project 0.00020; gnomAD 0.00023; TOPMed 0.00039.
gnomAD v4.1: 189 of 1,614,258 alleles (0.012%); highest among the groups gnomAD compares: Admixed American, 0.12%; no homozygotes.

Submissions (2):

Labcorp Genetics (formerly Invitae), Labcorp
Classification: Likely benign. Last evaluated: 2025-10-01. Review status: criteria provided, single submitter. Criteria: Invitae Variant Classification Sherloc (09022015). Collection method: clinical testing. Allele origin: germline.

PreventionGenetics, part of Exact Sciences
Classification: Likely benign for IGSF10-related condition. Last evaluated: 2019-03-13. Review status: no assertion criteria provided. Collection method: clinical testing. Allele origin: germline. Not counted in ClinVar's aggregate classification.
Comment: This variant is classified as likely benign based on ACMG/AMP sequence variant interpretation guidelines (Richards et al. 2015 PMID: 25741868, with internal and published modifications).

NM_178822.5(IGSF10):c.4737A>T (p.Pro1579=)

Gene: IGSF10 (immunoglobulin superfamily member 10; minus strand). Cytogenetic location: 3q25.1.
Variant type: single nucleotide variant.
Coding change: c.4737A>T on transcript NM_178822.5 (MANE Select); coding-DNA position 4737, A replaced by T.
Protein change: p.Pro1579=; no amino-acid change (proline 1579 retained).
Molecular consequence: synonymous variant.
Genome position (GRCh38, 1-based): chr3:151,445,244, T>A on the plus strand (A>T on the coding strand, the complement: IGSF10 is on the minus strand). VCF-style: chr3-151445244-T-A. GRCh37 (hg19) VCF-style: chr3-151163032-T-A.
Other names: c.4737A>T (NM_178822.4); c.4737A>T, p.Pro1579= (NM_001385060.1, NM_001385061.1, NM_001385062.1 and 1 more transcripts).
Identifiers: ClinVar variation 2074505 (VCV002074505.6), dbSNP rs149172093, ClinGen allele CA2669910.